The following is an entry in ClinVar:

NC_000011.10:g.(?_112094799)_(112094976_?)del

Gene: SDHD (succinate dehydrogenase complex subunit D; plus strand). Cytogenetic location: 11q23.1.
Variant type: Deletion.
Identifiers: ClinVar variation 533799 (VCV000533799.2).

ClinVar aggregate classification (germline): Pathogenic (1 of 4 stars; one submission).

Conditions:
Pheochromocytoma. Also called: MAX-Related Hereditary Paraganglioma-Pheochromocytoma Syndrome. Identifiers: Orphanet 29072, MedGen C0031511, MONDO:0008233, OMIM 171300, HP:0002666.
Carney-Stratakis syndrome. Also called: PARAGANGLIOMA AND GASTROINTESTINAL STROMAL TUMOR. Identifiers: Orphanet 97286, MedGen C1847319, MONDO:0011740, OMIM 606864.
Cowden syndrome 3 (CWS3). Identifiers: Orphanet 201, MedGen CN166604, MONDO:0014045.
Pheochromocytoma/paraganglioma syndrome 1. Also called: PARAGANGLIOMAS, FAMILIAL NONCHROMAFFIN, 1; PGL 1; Paragangliomas familial 1; SDHD-Related Hereditary Paraganglioma-Pheochromocytoma Syndrome; PARAGANGLIOMATA; Paragangliomas 1. Identifiers: Orphanet 29072, MedGen C3494181, MONDO:0008192, OMIM 168000.

Submission:

Labcorp Genetics (formerly Invitae), Labcorp
Classification: Pathogenic for Paraganglioma and gastric stromal sarcoma; Paragangliomas 1; Pheochromocytoma; Cowden syndrome 3. Last evaluated: 2018-10-31. Review status: criteria provided, single submitter. Criteria: Invitae Variant Classification Sherloc (09022015). Collection method: clinical testing. Allele origin: germline.
Comment: This variant is a gross deletion of the genomic region encompassing exon 4 of the SDHD gene. The 5' boundary is likely confined to intron 3. The 3' end of this event is unknown as it extends through the termination codon beyond the assayed region for this gene and may encompass additional genes. While this deletion is not anticipated to result in nonsense mediated decay, it is expected to create a truncated protein product or disrupt mRNA translation. Similar deletions of exon 4 have been reported in at least 5 families affected with paragangliomas, with many of the individuals presenting with single or multiple head and neck paragangliomas. Amongst the families, these variants were shown to segregate with disease in 20 of the affected individuals (PMID: 19454582, 20111059, 22382802). In one of the studies, the deletion of exon 4 was suggested to be an Austrian founder mutation (PMID: 20111059). A founder mutation (p.Leu139Pro) has been reported in the deleted region (PMID: 21348866, 11391798), and a different truncation that occurs within the deleted region (p.Gln109*) has been determined to be pathogenic (PMID: 11897817, 19454582, 25720320). This suggests that deletion of this region of the SDHD protein is causative of disease. For these reasons, this variant has been classified as Pathogenic.

Literature cited by the submitters: PubMed 25720320; PubMed 19454582; PubMed 22382802; PubMed 21348866; PubMed 11391798; PubMed 11897817; PubMed 20111059.